The following is an entry in ClinVar:

ClinVar aggregate classification (germline): Uncertain significance (1 of 4 stars; one submission).

Submission:

Ambry Genetics
Classification: Uncertain significance. Last evaluated: 2024-03-15. Review status: criteria provided, single submitter. Criteria: Ambry Variant Classification Scheme 2023. Collection method: clinical testing. Allele origin: germline.
Comment: The p.V1395L variant (also known as c.4183G>C), located in coding exon 16 of the POLQ gene, results from a G to C substitution at nucleotide position 4183. The valine at codon 1395 is replaced by leucine, an amino acid with highly similar properties. This amino acid position is conserved. In addition, this alteration is predicted to be tolerated by in silico analysis. Based on the available evidence, the clinical significance of this alteration remains unclear.

NM_199420.4(POLQ):c.4183G>C (p.Val1395Leu)

Gene: POLQ (DNA polymerase theta; minus strand). Cytogenetic location: 3q13.33.
Variant type: single nucleotide variant.
Coding change: c.4183G>C on transcript NM_199420.4 (MANE Select); coding-DNA position 4183, G replaced by C.
Protein change: p.Val1395Leu; replaces valine 1395 with leucine.
Molecular consequence: missense variant.
Genome position (GRCh38, 1-based): chr3:121,488,748, C>G on the plus strand (G>C on the coding strand, the complement: POLQ is on the minus strand). VCF-style: chr3-121488748-C-G. GRCh37 (hg19) VCF-style: chr3-121207595-C-G.
Other names: short protein forms V1395L.
Identifiers: ClinVar variation 3308569 (VCV003308569.1).